The following is an entry in ClinVar:

NM_001903.5(CTNNA1):c.247A>G (p.Ser83Gly)

Gene: CTNNA1 (catenin alpha 1; plus strand). Cytogenetic location: 5q31.2.
Variant type: single nucleotide variant.
Coding change: c.247A>G on transcript NM_001903.5 (MANE Select); coding-DNA position 247, A replaced by G.
Protein change: p.Ser83Gly; replaces serine 83 with glycine.
Molecular consequence: missense variant. On other transcripts: intron variant (2).
Genome position (GRCh38, 1-based): chr5:138,783,318, A>G. VCF-style: chr5-138783318-A-G. GRCh37 (hg19) VCF-style: chr5-138119007-A-G.
Other names: c.247A>G, p.Ser83Gly (NM_001290307.3, NM_001323982.2, NM_001323983.1 and 3 more transcripts); c.-6+46A>G (NM_001290310.3); c.-9+1289A>G (NM_001290309.3); c.247A>G (NM_001903.2); short protein forms S83G.
Identifiers: ClinVar variation 1715295 (VCV001715295.6), dbSNP rs2532179209, ClinGen allele CA361477597.
Genomic context (GRCh38, chr5:138,783,318, plus strand): 5'-GCATCTGTTGAACAAGCAACTGAGAATTTCTTGGAGAAGGGGGATAAAATTGCGAAGGAG[A>G]GCCAGTTTCTCAAGGAGGAGCTTGTGGCTGCTGTAGAAGATGTTCGAAAACAAGGTAGGT-3'
Protein context (NP_001894.2, residues 73-93): LEKGDKIAKE[Ser83Gly]QFLKEELVAA

ClinVar aggregate classification (germline): Uncertain significance. Review status: criteria provided, multiple submitters, no conflicts (2 of 4 stars). 2 submissions from 2 submitters: Uncertain significance (2). Last evaluated 2026-06-09.

Conditions:
Hereditary cancer-predisposing syndrome. Also called: Hereditary Cancer Syndrome; Neoplastic Syndromes, Hereditary; Hereditary neoplastic syndrome; Tumor predisposition. Identifiers: Orphanet 140162, MedGen C0027672, MeSH D009386, MONDO:0015356.

Submissions (2):

Ambry Genetics
Classification: Uncertain significance for Hereditary cancer-predisposing syndrome. Last evaluated: 2026-06-09. Review status: criteria provided, single submitter. Criteria: Ambry Variant Classification Scheme 2023. Collection method: clinical testing. Allele origin: germline.
Comment: The p.S83G variant (also known as c.247A>G), located in coding exon 2 of the CTNNA1 gene, results from an A to G substitution at nucleotide position 247. The serine at codon 83 is replaced by glycine, an amino acid with similar properties. This amino acid position is conserved. In addition, the in silico prediction for this alteration is inconclusive. Based on the available evidence, the clinical significance of this variant remains unclear.

Labcorp Genetics (formerly Invitae), Labcorp
Classification: Uncertain significance. Last evaluated: 2022-07-15. Review status: criteria provided, single submitter. Criteria: Invitae Variant Classification Sherloc (09022015). Collection method: clinical testing. Allele origin: germline.
Comment: In summary, the available evidence is currently insufficient to determine the role of this variant in disease. Therefore, it has been classified as a Variant of Uncertain Significance. Algorithms developed to predict the effect of missense changes on protein structure and function are either unavailable or do not agree on the potential impact of this missense change (SIFT: "Deleterious"; PolyPhen-2: "Benign"; Align-GVGD: "Class C0"). This sequence change replaces serine, which is neutral and polar, with glycine, which is neutral and non-polar, at codon 83 of the CTNNA1 protein (p.Ser83Gly). This variant has not been reported in the literature in individuals affected with CTNNA1-related conditions. This variant is not present in population databases (gnomAD no frequency).